The following is an entry in ClinVar:

NM_001046.3(SLC12A2):c.2160_2163dup (p.Leu722fs)

Gene: SLC12A2 (solute carrier family 12 member 2; plus strand). Cytogenetic location: 5q23.3.
Variant type: Duplication.
Coding change: c.2160_2163dup on transcript NM_001046.3 (MANE Select); coding-DNA positions 2160 to 2163, 4 bases duplicated (AATT; older notation c.2160_2163dupAATT).
Protein change: p.Leu722fs; shifts the reading frame from leucine 722.
Molecular consequence: frameshift variant. On other transcripts: non-coding transcript variant (1).
Genome position (GRCh38, 1-based): chr5:128,151,293-128,151,296, AATT duplicated. VCF-style (leftmost placement, unchanged base first): chr5-128151292-C-CAATT. GRCh37 (hg19) VCF-style: chr5-127486984-C-CAATT.
Other names: c.2160_2163dup, p.Leu722fs (NM_001256461.2); short protein forms L722fs.
Identifiers: ClinVar variation 4292146 (VCV004292146.1).

ClinVar aggregate classification (germline): Likely pathogenic (1 of 4 stars; one submission).

Conditions:
Delpire-McNeill syndrome. Also called: SLC12A2-related autosomal dominant infantile-developmental delay-intellectual disability-sensorineural deafness syndrome. Identifiers: Orphanet 633024, MedGen C5436771, MONDO:0033667, OMIM 619083.

Submission:

3billion
Classification: Likely pathogenic for Delpire-McNeill syndrome. Last evaluated: 2024-11-11. Review status: criteria provided, single submitter. Criteria: ACMG Guidelines, 2015. Collection method: clinical testing. Allele origin: germline. Affected: yes.
Comment: The variant is not observed in the gnomAD v4.1.0 dataset. Predicted Consequence/Location: Frameshift: predicted to result in a loss or disruption of normal protein function through nonsense-mediated decay (NMD) or protein truncation. Multiple pathogenic variants are reported downstream of the variant. Therefore, this variant is classified as Likely pathogenic according to the recommendation of ACMG/AMP guideline.